The following is an entry in ClinVar:

ClinVar aggregate classification (germline): Likely benign. Review status: criteria provided, multiple submitters, no conflicts (2 of 4 stars). 2 submissions from 2 submitters: Likely benign (2). Last evaluated 2018-01-13.

Conditions:
T-B+ severe combined immunodeficiency due to JAK3 deficiency. Also called: SCID, autosomal recessive, T-negative/B-positive type; SCID, T CELL-NEGATIVE, B CELL-POSITIVE, NK CELL-NEGATIVE. Identifiers: Orphanet 35078, MedGen C1833275, MONDO:0010938, OMIM 600802.

Allele frequency attached by ClinVar (database versions not stated): gnomAD 0.00246 and 0.00232; 1000 Genomes Project 30x 0.00109; gnomAD exomes 0.00203; 1000 Genomes Project 0.00080; TOPMed 0.00186.

Submissions (2):

Illumina Laboratory Services, Illumina
Classification: Likely benign for T-B+ severe combined immunodeficiency due to JAK3 deficiency. Last evaluated: 2018-01-13. Review status: criteria provided, single submitter. Criteria: ICSL Variant Classification Criteria 13 December 2019. Collection method: clinical testing. Allele origin: germline.
Comment: This variant was observed in the ICSL laboratory as part of a predisposition screen in an ostensibly healthy population. It had not been previously curated by ICSL or reported in the Human Gene Mutation Database (HGMD: prior to June 1st, 2018), and was therefore a candidate for classification through an automated scoring system. Utilizing variant allele frequency, disease prevalence and penetrance estimates, and inheritance mode, an automated score was calculated to assess if this variant is too frequent to cause the disease. Based on the score and internal cut-off values, a variant classified as likely benign is not then subjected to further curation. The score for this variant resulted in a classification of likely benign for this disease.

Breakthrough Genomics
Classification: Likely benign. Review status: criteria provided, single submitter. Criteria: ACMG Guidelines, 2015. Collection method: not provided. Allele origin: germline. Inheritance: Autosomal recessive inheritance. Affected: yes.

NM_000215.4(JAK3):c.*299C>T

Gene: JAK3 (Janus kinase 3; minus strand). Cytogenetic location: 19p13.11.
Variant type: single nucleotide variant.
Coding change: c.*299C>T on transcript NM_000215.4 (MANE Select); 299 bases downstream of the stop codon, C replaced by T.
Molecular consequence: 3 prime UTR variant.
Genome position (GRCh38, 1-based): chr19:17,826,444, G>A on the plus strand (C>T on the coding strand, the complement: JAK3 is on the minus strand). VCF-style: chr19-17826444-G-A. GRCh37 (hg19) VCF-style: chr19-17937253-G-A.
Identifiers: ClinVar variation 328490 (VCV000328490.6), dbSNP rs201718854, ClinGen allele CA10652318.
Genomic context (GRCh38, chr19:17,826,444, plus strand): 5'-CAAAAATAAAAATAAAAATAAAAAAAATAAAAAGAGAGAGACAGAAAAGGAAACTCAGGG[G>A]GCCAGGGCTTAAGGGGTTGGGAAGATGCGAGAGTCTTAAATTTGGTTCCTTGCTTCTTTG-3'